The following is an entry in ClinVar:

ClinVar aggregate classification (germline): Uncertain significance. Review status: criteria provided, multiple submitters, no conflicts (2 of 4 stars). 2 submissions from 2 submitters: Uncertain significance (2). Last evaluated 2022-10-28.

Conditions:
Primary immunodeficiency with natural-killer cell deficiency and adrenal insufficiency (IMD54). Also called: Natural killer cell and glucocorticoid deficiency with DNA repair defect; IMMUNODEFICIENCY 54. Identifiers: Orphanet 75391, MedGen C1864947, MONDO:0012383, OMIM 609981.

Allele frequency attached by ClinVar (database versions not stated): gnomAD 0.00001; gnomAD exomes 0.00001; TOPMed 0.00001; ExAC 0.00002.
gnomAD v4.1: 40 of 1,613,948 alleles (0.0025%); highest among the groups gnomAD compares: Non-Finnish European, 0.0033%; no homozygotes.

Submissions (2):

Labcorp Genetics (formerly Invitae), Labcorp
Classification: Uncertain significance. Last evaluated: 2022-10-28. Review status: criteria provided, single submitter. Criteria: Invitae Variant Classification Sherloc (09022015). Collection method: clinical testing. Allele origin: germline.
Comment: This sequence change replaces aspartic acid, which is acidic and polar, with tyrosine, which is neutral and polar, at codon 85 of the MCM4 protein (p.Asp85Tyr). This variant is present in population databases (rs760802348, gnomAD 0.002%). This variant has not been reported in the literature in individuals affected with MCM4-related conditions. ClinVar contains an entry for this variant (Variation ID: 909814). Algorithms developed to predict the effect of missense changes on protein structure and function are either unavailable or do not agree on the potential impact of this missense change (SIFT: "Deleterious"; PolyPhen-2: "Probably Damaging"; Align-GVGD: "Class C15"). Algorithms developed to predict the effect of sequence changes on RNA splicing suggest that this variant may create or strengthen a splice site. In summary, the available evidence is currently insufficient to determine the role of this variant in disease. Therefore, it has been classified as a Variant of Uncertain Significance.

Illumina Laboratory Services, Illumina
Classification: Uncertain significance for Primary immunodeficiency with natural-killer cell deficiency and adrenal insufficiency. Last evaluated: 2018-03-02. Review status: criteria provided, single submitter. Criteria: ICSL Variant Classification Criteria 13 December 2019. Collection method: clinical testing. Allele origin: germline.

NM_182746.3(MCM4):c.253G>T (p.Asp85Tyr)

Gene: MCM4 (minichromosome maintenance complex component 4; plus strand). Cytogenetic location: 8q11.21.
Variant type: single nucleotide variant.
Coding change: c.253G>T on transcript NM_182746.3 (MANE Select); coding-DNA position 253, G replaced by T.
Protein change: p.Asp85Tyr; replaces aspartic acid 85 with tyrosine.
Molecular consequence: missense variant.
Genome position (GRCh38, 1-based): chr8:47,962,070, G>T. VCF-style: chr8-47962070-G-T. GRCh37 (hg19) VCF-style: chr8-48874630-G-T.
Other names: c.253G>T, p.Asp85Tyr (NM_005914.4); short protein forms D85Y.
Identifiers: ClinVar variation 909814 (VCV000909814.9), dbSNP rs760802348, ClinGen allele CA4742244.